The following is an entry in ClinVar:

ClinVar aggregate classification (germline): Conflicting classifications of pathogenicity. Review status: criteria provided, conflicting classifications (1 of 4 stars). 5 submissions from 5 submitters: Uncertain significance (3); Likely benign (1). 1 of the submissions does not count toward it. Last evaluated 2024-12-13.

Conditions:
Cardiovascular phenotype. Identifiers: MedGen CN230736.
Alstrom syndrome (ALMS). Identifiers: Orphanet 64, MedGen C0268425, MONDO:0008763, OMIM 203800.

Allele frequency attached by ClinVar (database versions not stated): TOPMed 0.00002; gnomAD 0.00003; ExAC 0.00004; 1000 Genomes Project 30x 0.00016; 1000 Genomes Project 0.00020.

Submissions (5):

GeneDx
Classification: Uncertain significance. Last evaluated: 2024-12-13. Review status: criteria provided, single submitter. Criteria: GeneDx Variant Classification Process June 2021. Collection method: clinical testing. Allele origin: germline. Affected: yes.
Comment: In silico analysis indicates that this missense variant does not alter protein structure/function; Has not been previously published as pathogenic or benign to our knowledge

Ambry Genetics
Classification: Likely benign for Cardiovascular phenotype. Last evaluated: 2024-05-29. Review status: criteria provided, single submitter. Criteria: Ambry Variant Classification Scheme 2023. Collection method: clinical testing. Allele origin: germline.

Blueprint Genetics
Classification: Uncertain significance. Last evaluated: 2024-05-03. Review status: criteria provided, single submitter. Criteria: ACMG Guidelines, 2015. Collection method: clinical testing. Allele origin: germline.

Labcorp Genetics (formerly Invitae), Labcorp
Classification: Uncertain significance for Alstrom syndrome. Last evaluated: 2022-10-18. Review status: criteria provided, single submitter. Criteria: Invitae Variant Classification Sherloc (09022015). Collection method: clinical testing. Allele origin: germline.
Comment: This sequence change replaces isoleucine, which is neutral and non-polar, with valine, which is neutral and non-polar, at codon 2965 of the ALMS1 protein (p.Ile2965Val). This variant is present in population databases (rs529506570, gnomAD 0.06%). This variant has not been reported in the literature in individuals affected with ALMS1-related conditions. ClinVar contains an entry for this variant (Variation ID: 393231). Algorithms developed to predict the effect of missense changes on protein structure and function output the following: SIFT: "Not Available"; PolyPhen-2: "Not Available"; Align-GVGD: "Not Available". The valine amino acid residue is found in multiple mammalian species, which suggests that this missense change does not adversely affect protein function. In summary, the available evidence is currently insufficient to determine the role of this variant in disease. Therefore, it has been classified as a Variant of Uncertain Significance.

Natera, Inc.
Classification: Uncertain significance for Alstrom syndrome. Last evaluated: 2021-01-05. Review status: no assertion criteria provided. Collection method: clinical testing. Allele origin: germline. Not counted in ClinVar's aggregate classification.

NM_001378454.1(ALMS1):c.8890A>G (p.Ile2964Val)

Gene: ALMS1 (ALMS1 centrosome and basal body associated protein; plus strand). Cytogenetic location: 2p13.1.
Variant type: single nucleotide variant.
Coding change: c.8890A>G on transcript NM_001378454.1 (MANE Select); coding-DNA position 8890, A replaced by G.
Protein change: p.Ile2964Val; replaces isoleucine 2964 with valine.
Molecular consequence: missense variant.
Genome position (GRCh38, 1-based): chr2:73,490,849, A>G. VCF-style: chr2-73490849-A-G. GRCh37 (hg19) VCF-style: chr2-73717976-A-G.
Other names: c.8893A>G, p.Ile2965Val (NM_015120.4); short protein forms I2965V, I2964V.
Identifiers: ClinVar variation 393231 (VCV000393231.11), dbSNP rs529506570, ClinGen allele CA1714563.
Genomic context (GRCh38, chr2:73,490,849, plus strand): 5'-GAAAACCATTCTCCCCTTCCTCAAGGTCAGGATTCTATAGCTTCAGACCTTCCGTCTCCC[A>G]TTTCTCTTGAACAATGCCAAAGCAAAGCGCCAGGTGTAGATGACCAAATGAATAAACACC-3'
Protein context (NP_001365383.1, residues 2954-2974): DSIASDLPSP[Ile2964Val]SLEQCQSKAP